The following is an entry in ClinVar:

NM_022113.6(KIF13A):c.2511T>C (p.Arg837=)

Gene: KIF13A (kinesin family member 13A; minus strand). Cytogenetic location: 6p22.3.
Variant type: single nucleotide variant.
Coding change: c.2511T>C on transcript NM_022113.6 (MANE Select); coding-DNA position 2511, T replaced by C.
Protein change: p.Arg837=; no amino-acid change (arginine 837 retained).
Molecular consequence: synonymous variant.
Genome position (GRCh38, 1-based): chr6:17,800,057, A>G on the plus strand (T>C on the coding strand, the complement: KIF13A is on the minus strand). VCF-style: chr6-17800057-A-G. GRCh37 (hg19) VCF-style: chr6-17800288-A-G.
Other names: c.2511T>C, p.Arg837= (NM_001105566.3, NM_001105567.3, NM_001105568.4).
Identifiers: ClinVar variation 100825 (VCV000100825.2), dbSNP rs483352706, ClinGen allele CA229073.

ClinVar aggregate classification (germline): Uncertain significance. Review status: no assertion criteria provided (0 of 4 stars). 2 submissions from 1 submitter: Uncertain significance (1). 1 of the submissions does not count toward it.

Submissions (2):

Richard Lifton Laboratory, Yale University School of Medicine
Classification: Uncertain significance. Review status: no assertion criteria provided. Collection method: not provided. Allele origin: somatic.
Comment: KIF13A:p.R837R
ClinVar note: Converted during submission from unknown to Uncertain significance.

Richard Lifton Laboratory, Yale University School of Medicine
Classification: Uncertain significance. Review status: flagged submission. Collection method: not provided. Allele origin: somatic. Not counted in ClinVar's aggregate classification.
ClinVar note: Converted during submission from unknown to Uncertain significance.
ClinVar note: Reason: This record appears to be redundant with a more recent record from the same submitter.
ClinVar note: Notes: SCV000120045 appears to be redundant with SCV000155148.